The following is an entry in ClinVar:

NM_004946.3(DOCK2):c.2656G>A (p.Val886Ile)

Gene: DOCK2 (dedicator of cytokinesis 2; plus strand). Cytogenetic location: 5q35.1.
Variant type: single nucleotide variant.
Coding change: c.2656G>A on transcript NM_004946.3 (MANE Select); coding-DNA position 2656, G replaced by A.
Protein change: p.Val886Ile; replaces valine 886 with isoleucine.
Molecular consequence: missense variant. On other transcripts: non-coding transcript variant (1).
Genome position (GRCh38, 1-based): chr5:169,803,159, G>A. VCF-style: chr5-169803159-G-A. GRCh37 (hg19) VCF-style: chr5-169230163-G-A.
Other names: c.2656G>A, p.Val886Ile (LRG_1227t1); short protein forms V886I.
Identifiers: ClinVar variation 571183 (VCV000571183.12), dbSNP rs199862297, ClinGen allele CA3553810.

ClinVar aggregate classification (germline): Uncertain significance. Review status: criteria provided, multiple submitters, no conflicts (2 of 4 stars). 5 submissions from 5 submitters: Uncertain significance (5). Last evaluated 2024-09-16.

Conditions:
DOCK2 deficiency. Also called: Immunodeficiency 40. Identifiers: Orphanet 447737, MedGen C4225328, MONDO:0014637, OMIM 616433.
Inborn genetic diseases. Identifiers: MedGen C0950123, MeSH D030342.

Allele frequency attached by ClinVar (database versions not stated): ESP Exome Variant Server 0.00015; TOPMed 0.00021; gnomAD exomes 0.00022 and 0.00025; ExAC 0.00026.
gnomAD v4.1: 358 of 1,614,006 alleles (0.022%); highest among the groups gnomAD compares: Middle Eastern, 0.2%; no homozygotes.

Submissions (5):

Blueprint Genetics
Classification: Uncertain significance. Last evaluated: 2024-09-16. Review status: criteria provided, single submitter. Criteria: ACMG Guidelines, 2015. Collection method: clinical testing. Allele origin: germline.

Labcorp Genetics (formerly Invitae), Labcorp
Classification: Uncertain significance for DOCK2 deficiency. Last evaluated: 2023-12-14. Review status: criteria provided, single submitter. Criteria: Invitae Variant Classification Sherloc (09022015). Collection method: clinical testing. Allele origin: germline.
Comment: This sequence change replaces valine, which is neutral and non-polar, with isoleucine, which is neutral and non-polar, at codon 886 of the DOCK2 protein (p.Val886Ile). This variant is present in population databases (rs199862297, gnomAD 0.04%). This variant has not been reported in the literature in individuals affected with DOCK2-related conditions. ClinVar contains an entry for this variant (Variation ID: 571183). Algorithms developed to predict the effect of missense changes on protein structure and function output the following: SIFT: "Not Available"; PolyPhen-2: "Benign"; Align-GVGD: "Not Available". The isoleucine amino acid residue is found in multiple mammalian species, which suggests that this missense change does not adversely affect protein function. In summary, the available evidence is currently insufficient to determine the role of this variant in disease. Therefore, it has been classified as a Variant of Uncertain Significance.

Ambry Genetics
Classification: Uncertain significance for Inborn genetic diseases. Last evaluated: 2022-04-27. Review status: criteria provided, single submitter. Criteria: Ambry Variant Classification Scheme 2023. Collection method: clinical testing. Allele origin: germline.

Laboratorio de Genetica e Diagnostico Molecular, Hospital Israelita Albert Einstein
Classification: Uncertain significance. Last evaluated: 2022-03-28. Review status: criteria provided, single submitter. Criteria: ACMG Guidelines, 2015. Collection method: clinical testing. Allele origin: germline. Affected: yes.
Comment: ACMG classification criteria: BP4

Breakthrough Genomics
Classification: Uncertain significance. Review status: criteria provided, single submitter. Criteria: ACMG Guidelines, 2015. Collection method: not provided. Allele origin: germline. Inheritance: Autosomal recessive inheritance. Affected: yes.